The following is an entry in ClinVar:

ClinVar aggregate classification (germline): Likely pathogenic (1 of 4 stars; one submission).

Conditions:
Retinitis pigmentosa 12 (RP12). Also called: RP WITH OR WITHOUT PPRPE; RP WITH OR WITHOUT PRESERVED PARAARTERIOLE RETINAL PIGMENT EPITHELIUM; RETINITIS PIGMENTOSA WITH OR WITHOUT PARAARTERIOLAR PRESERVATION OF RETINAL PIGMENT EPITHELIUM. Identifiers: Orphanet 791, MedGen C1838647, MONDO:0010818, OMIM 600105.
Leber congenital amaurosis 8 (LCA8). Identifiers: Orphanet 65, MedGen C3151202, MONDO:0013453, OMIM 613835.

Submission:

Labcorp Genetics (formerly Invitae), Labcorp
Classification: Likely pathogenic for Leber congenital amaurosis 8; Retinitis pigmentosa 12. Last evaluated: 2021-08-31. Review status: criteria provided, single submitter. Criteria: Invitae Variant Classification Sherloc (09022015). Collection method: clinical testing. Allele origin: germline.
Comment: This sequence change affects a splice site in intron 9 of the CRB1 gene. It is expected to disrupt RNA splicing. Variants that disrupt the donor or acceptor splice site typically lead to a loss of protein function (PMID: 16199547), and loss-of-function variants in CRB1 are known to be pathogenic (PMID: 10508521, 22065545, 23379534, 25412400, 26957898, 28041643, 29391521). In summary, the currently available evidence indicates that the variant is pathogenic, but additional data are needed to prove that conclusively. Therefore, this variant has been classified as Likely Pathogenic. Algorithms developed to predict the effect of sequence changes on RNA splicing suggest that this variant may disrupt the consensus splice site. Disruption of this splice site has been observed in individual(s) with retinitis pigmentosa (PMID: 23379534). This variant is not present in population databases (ExAC no frequency).

Literature cited by the submitters: PubMed 16199547; PubMed 10508521; PubMed 22065545; PubMed 23379534; PubMed 25412400; PubMed 26957898; PubMed 28041643; PubMed 29391521.

NM_201253.3(CRB1):c.3749+2_3749+3del

Gene: CRB1 (crumbs cell polarity complex component 1; plus strand). Cytogenetic location: 1q31.3.
Variant type: Deletion.
Coding change: c.3749+2_3749+3del on transcript NM_201253.3 (MANE Select); the canonical splice donor site of the intron after coding-DNA position 3749 through 3 bases into the intron after coding-DNA position 3749, 2 bases deleted (TG; older notation c.3749+2_3749+3delTG).
Molecular consequence: splice donor variant.
Genome position (GRCh38, 1-based): chr1:197,435,614-197,435,615, TG deleted; deleting any 2 consecutive bases within chr1:197,435,613-197,435,615 gives the same sequence; the c. name uses the placement nearest the transcript's 3' end. VCF-style (leftmost placement, unchanged base first): chr1-197435612-GGT-G. GRCh37 (hg19) VCF-style: chr1-197404742-GGT-G.
Other names: c.3677+2_3677+3del (NM_001257965.2); c.2141+2_2141+3del (NM_001257966.2); c.3413+2_3413+3del (NM_001193640.2).
Identifiers: ClinVar variation 1482438 (VCV001482438.6), dbSNP rs1665120314, ClinGen allele CA1010912171.